The following is an entry in ClinVar:

ClinVar aggregate classification (germline): Benign/Likely benign. Review status: criteria provided, multiple submitters, no conflicts (2 of 4 stars). 7 submissions from 7 submitters: Benign (6); Likely benign (1). Last evaluated 2026-02-02.

Conditions:
Hermansky-Pudlak syndrome 2 (HPS2). Also called: Platelet defects and oculocutaneous albinism. Identifiers: Orphanet 183678, Orphanet 79430, MedGen C1842362, MONDO:0011997, OMIM 608233.
Autoinflammatory syndrome. Identifiers: Orphanet 93665, MedGen C3890737, MONDO:0019751.

Submissions (7):

Labcorp Genetics (formerly Invitae), Labcorp
Classification: Benign for Hermansky-Pudlak syndrome 2. Last evaluated: 2026-02-02. Review status: criteria provided, single submitter. Criteria: Invitae Variant Classification Sherloc (09022015). Collection method: clinical testing. Allele origin: germline.

Blueprint Genetics
Classification: Likely benign. Last evaluated: 2024-11-25. Review status: criteria provided, single submitter. Criteria: ACMG Guidelines, 2015. Collection method: clinical testing. Allele origin: germline.

Mayo Clinic Laboratories, Mayo Clinic
Classification: Benign. Last evaluated: 2023-11-02. Review status: criteria provided, single submitter. Criteria: ACMG Guidelines, 2015. Collection method: clinical testing. Allele origin: germline. Observed: 84 variant alleles.

Genome Diagnostics Laboratory, The Hospital for Sick Children
Classification: Benign for Autoinflammatory syndrome. Last evaluated: 2021-07-09. Review status: criteria provided, single submitter. Criteria: ACMG Guidelines, 2015. Collection method: clinical testing. Allele origin: germline. Affected: yes.

Johns Hopkins Genomics, Johns Hopkins University
Classification: Benign for Hermansky-Pudlak syndrome 2. Last evaluated: 2019-03-22. Review status: criteria provided, single submitter. Criteria: ACMG Guidelines, 2015. Collection method: clinical testing. Allele origin: germline.

GeneDx
Classification: Benign. Last evaluated: 2018-12-24. Review status: criteria provided, single submitter. Criteria: GeneDx Variant Classification Process June 2021. Collection method: clinical testing. Allele origin: germline. Affected: yes.

Laboratory for Molecular Medicine, Mass General Brigham Personalized Medicine
Classification: Benign. Last evaluated: 2015-12-09. Review status: criteria provided, single submitter. Criteria: LMM Criteria. Collection method: clinical testing. Allele origin: germline. Observed: 5 variant alleles.
Comment: p.Ala1008del in exon 26 of AP3B1: This variant is not expected to have clinical significance because it has been identified in 12.02% (1251/10404) of African ch romosomes by the Exome Aggregation Consortium (ExAC. org; dbSNP rs111935323).

NM_003664.5(AP3B1):c.3020CTG[1] (p.Ala1008del)

Gene: AP3B1 (adaptor related protein complex 3 subunit beta 1; minus strand). Cytogenetic location: 5q14.1.
Variant type: Microsatellite.
Coding change: c.3020CTG[1] on transcript NM_003664.5 (MANE Select); one copy of the 3-base unit CTG starting at c.3020; the reference has two copies in a row; one copy, 3 bases deleted.
Protein change: p.Ala1008del; deletes alanine 1008.
Molecular consequence: inframe deletion.
Genome position (GRCh38, 1-based): chr5:78,015,516-78,015,518, CAG deleted on the plus strand (CTG on the coding strand, the reverse complement: AP3B1 is on the minus strand); deleting any 3 consecutive bases within chr5:78,015,516-78,015,521 gives the same sequence; the position shown is the placement nearest the transcript's 3' end. VCF-style (leftmost placement, unchanged base first): chr5-78015515-ACAG-A. GRCh37 (hg19) VCF-style: chr5-77311339-ACAG-A.
Other names: c.3023_3025delCTG (NM_003664.4, NM_003664.3); c.2873CTG[1], p.Ala959del (NM_001271769.2); short protein forms A1008del, A959del.
Identifiers: ClinVar variation 226459 (VCV000226459.25), dbSNP rs111935323, ClinGen allele CA3316592.